The following is an entry in ClinVar:

NM_006642.5(SDCCAG8):c.1273G>A (p.Val425Ile)

Gene: SDCCAG8 (SHH signaling and ciliogenesis regulator SDCCAG8; plus strand). Cytogenetic location: 1q43.
Variant type: single nucleotide variant.
Coding change: c.1273G>A on transcript NM_006642.5 (MANE Select); coding-DNA position 1273, G replaced by A.
Protein change: p.Val425Ile; replaces valine 425 with isoleucine.
Molecular consequence: missense variant.
Genome position (GRCh38, 1-based): chr1:243,341,090, G>A. VCF-style: chr1-243341090-G-A. GRCh37 (hg19) VCF-style: chr1-243504392-G-A.
Other names: c.370G>A, p.Val124Ile (NM_001350246.2, NM_001350247.2, NM_001350251.2); c.1369G>A, p.Val457Ile (NM_001350248.2); c.979G>A, p.Val327Ile (NM_001350249.2); short protein forms V425I, V124I, V327I, V457I.
Identifiers: ClinVar variation 834136 (VCV000834136.9), dbSNP rs370072966, ClinGen allele CA1483604.
Genomic context (GRCh38, chr1:243,341,090, plus strand): 5'-CCCTTACAGATGTTGATCTTGTCTCAGAATATTGCCCAACTGGAGGCCCAGGTGGAAAAG[G>A]TTACAAAGGAAAAGATTTCAGCTATTAATCAACTGGAGGAAATTCAAAGCCAGCTGGCTT-3'
Protein context (NP_006633.1, residues 415-435): IAQLEAQVEK[Val425Ile]TKEKISAINQ

ClinVar aggregate classification (germline): Uncertain significance. Review status: criteria provided, multiple submitters, no conflicts (2 of 4 stars). 4 submissions from 4 submitters: Uncertain significance (3). 1 of the submissions does not count toward it. Last evaluated 2022-05-26.

Conditions:
Inborn genetic diseases. Identifiers: MedGen C0950123, MeSH D030342.
Bardet-Biedl syndrome 16 (BBS16). Identifiers: Orphanet 110, MedGen C3889474, MONDO:0014444, OMIM 615993.
Senior-Loken syndrome 7 (SLSN7). Identifiers: Orphanet 3156, MedGen C3150877, MONDO:0013326, OMIM 613615.
SDCCAG8-related disorder. Also called: SDCCAG8-Related Disorders; SDCCAG8-related condition.

Allele frequency attached by ClinVar (database versions not stated): TOPMed 0.00005; ESP Exome Variant Server 0.00008.
gnomAD v4.1: 131 of 1,613,918 alleles (0.0081%); highest among the groups gnomAD compares: Non-Finnish European, 0.011%; no homozygotes.

Submissions (4):

Ambry Genetics
Classification: Uncertain significance for Inborn genetic diseases. Last evaluated: 2022-05-26. Review status: criteria provided, single submitter. Criteria: Ambry Variant Classification Scheme 2023. Collection method: clinical testing. Allele origin: germline.

Labcorp Genetics (formerly Invitae), Labcorp
Classification: Uncertain significance for Bardet-Biedl syndrome 16; Senior-Loken syndrome 7. Last evaluated: 2022-03-10. Review status: criteria provided, single submitter. Criteria: Invitae Variant Classification Sherloc (09022015). Collection method: clinical testing. Allele origin: germline.
Comment: This sequence change replaces valine, which is neutral and non-polar, with isoleucine, which is neutral and non-polar, at codon 425 of the SDCCAG8 protein (p.Val425Ile). This variant is present in population databases (rs370072966, gnomAD 0.007%). This variant has not been reported in the literature in individuals affected with SDCCAG8-related conditions. ClinVar contains an entry for this variant (Variation ID: 834136). Algorithms developed to predict the effect of missense changes on protein structure and function output the following: SIFT: "Tolerated"; PolyPhen-2: "Benign"; Align-GVGD: "Class C0". The isoleucine amino acid residue is found in multiple mammalian species, which suggests that this missense change does not adversely affect protein function. In summary, the available evidence is currently insufficient to determine the role of this variant in disease. Therefore, it has been classified as a Variant of Uncertain Significance.

Fulgent Genetics
Classification: Uncertain significance for Senior-Loken syndrome 7; Bardet-Biedl syndrome 16. Last evaluated: 2022-02-18. Review status: criteria provided, single submitter. Criteria: ACMG Guidelines, 2015. Collection method: clinical testing. Allele origin: unknown.

PreventionGenetics, part of Exact Sciences
Classification: Uncertain significance for SDCCAG8-related condition. Last evaluated: 2024-07-29. Review status: no assertion criteria provided. Collection method: clinical testing. Allele origin: germline. Not counted in ClinVar's aggregate classification.
Comment: The SDCCAG8 c.1273G>A variant is predicted to result in the amino acid substitution p.Val425Ile. To our knowledge, this variant has not been reported in the literature. This variant is reported in 0.0070% of alleles in individuals of European (Non-Finnish) descent in gnomAD. At this time, the clinical significance of this variant is uncertain due to the absence of conclusive functional and genetic evidence.